The following is an entry in ClinVar:

ClinVar aggregate classification (germline): Uncertain significance (1 of 4 stars; one submission).

Conditions:
PHGDH deficiency. Identifiers: Orphanet 79351, MedGen C1866174, MONDO:0011152, OMIM 601815.

Allele frequency attached by ClinVar (database versions not stated): gnomAD exomes 0.00001.
gnomAD v4.1: 17 of 1,612,930 alleles (0.0011%); highest among the groups gnomAD compares: Admixed American, 0.0017%; no homozygotes.

Submission:

Labcorp Genetics (formerly Invitae), Labcorp
Classification: Uncertain significance for PHGDH deficiency. Last evaluated: 2022-05-08. Review status: criteria provided, single submitter. Criteria: Invitae Variant Classification Sherloc (09022015). Collection method: clinical testing. Allele origin: germline.
Comment: This sequence change replaces alanine, which is neutral and non-polar, with glutamic acid, which is acidic and polar, at codon 486 of the PHGDH protein (p.Ala486Glu). This variant is not present in population databases (gnomAD no frequency). This variant has not been reported in the literature in individuals affected with PHGDH-related conditions. Algorithms developed to predict the effect of missense changes on protein structure and function (SIFT, PolyPhen-2, Align-GVGD) all suggest that this variant is likely to be tolerated. In summary, the available evidence is currently insufficient to determine the role of this variant in disease. Therefore, it has been classified as a Variant of Uncertain Significance.

NM_006623.4(PHGDH):c.1457C>A (p.Ala486Glu)

Gene: PHGDH (phosphoglycerate dehydrogenase; plus strand). Cytogenetic location: 1p12.
Variant type: single nucleotide variant.
Coding change: c.1457C>A on transcript NM_006623.4 (MANE Select); coding-DNA position 1457, C replaced by A.
Protein change: p.Ala486Glu; replaces alanine 486 with glutamic acid.
Molecular consequence: missense variant.
Genome position (GRCh38, 1-based): chr1:119,743,895, C>A. VCF-style: chr1-119743895-C-A. GRCh37 (hg19) VCF-style: chr1-120286518-C-A.
Other names: short protein forms A486E.
Identifiers: ClinVar variation 2174033 (VCV002174033.1), dbSNP rs1652326711, ClinGen allele CA341854117.